The following is an entry in ClinVar:

ClinVar aggregate classification (germline): Uncertain significance (1 of 4 stars; one submission).

Conditions:
Developmental and epileptic encephalopathy, 23 (DEE23). Also called: Epileptic encephalopathy, early infantile, 23. Identifiers: Orphanet 411986, MedGen C4014492, MONDO:0014371, OMIM 615859.

Submission:

Labcorp Genetics (formerly Invitae), Labcorp
Classification: Uncertain significance for Developmental and epileptic encephalopathy, 23. Last evaluated: 2019-10-30. Review status: criteria provided, single submitter. Criteria: Invitae Variant Classification Sherloc (09022015). Collection method: clinical testing. Allele origin: germline.
Comment: In summary, the available evidence is currently insufficient to determine the role of this variant in disease. Therefore, it has been classified as a Variant of Uncertain Significance. Algorithms developed to predict the effect of missense changes on protein structure and function are either unavailable or do not agree on the potential impact of this missense change (SIFT: "Tolerated"; PolyPhen-2: "Probably Damaging"; Align-GVGD: "Class C0"). This variant has not been reported in the literature in individuals with DOCK7-related conditions. This variant is not present in population databases (ExAC no frequency). This sequence change replaces leucine with proline at codon 524 of the DOCK7 protein (p.Leu524Pro). The leucine residue is highly conserved and there is a moderate physicochemical difference between leucine and proline.

NM_001367561.1(DOCK7):c.1571T>C (p.Leu524Pro)

Gene: DOCK7 (dedicator of cytokinesis 7; minus strand). Cytogenetic location: 1p31.3.
Variant type: single nucleotide variant.
Coding change: c.1571T>C on transcript NM_001367561.1 (MANE Select); coding-DNA position 1571, T replaced by C.
Protein change: p.Leu524Pro; replaces leucine 524 with proline.
Molecular consequence: missense variant.
Genome position (GRCh38, 1-based): chr1:62,618,817, A>G on the plus strand (T>C on the coding strand, the complement: DOCK7 is on the minus strand). VCF-style: chr1-62618817-A-G. GRCh37 (hg19) VCF-style: chr1-63084488-A-G.
Other names: c.1571T>C, p.Leu524Pro (NM_001271999.2, NM_001272000.2, NM_001272001.2 and 3 more transcripts); short protein forms L524P.
Identifiers: ClinVar variation 971820 (VCV000971820.10), dbSNP rs1652777507, ClinGen allele CA340612873.